The following is an entry in ClinVar:

ClinVar aggregate classification (germline): Uncertain significance (1 of 4 stars; one submission).

Conditions:
Adams-Oliver syndrome 5 (AOS5). Identifiers: Orphanet 974, MedGen C4014970, MONDO:0014459, OMIM 616028.

Allele frequency attached by ClinVar (database versions not stated): ExAC 0.00001; gnomAD 0.00001; 1000 Genomes Project 0.00020; 1000 Genomes Project 30x 0.00031.

Submission:

Labcorp Genetics (formerly Invitae), Labcorp
Classification: Uncertain significance for Adams-Oliver syndrome 5. Last evaluated: 2016-09-09. Review status: criteria provided, single submitter. Criteria: Invitae Variant Classification Sherloc (09022015). Collection method: clinical testing. Allele origin: germline.
Comment: In summary, this variant is a rare missense change with uncertain impact on protein function. There is no indication that it causes disease, but the available evidence is currently insufficient to prove that conclusively. Therefore, it has been classified as a Variant of Uncertain Significance. Algorithms developed to predict the effect of missense changes on protein structure and function do not agree on the potential impact of this missense change (SIFT: "Deleterious"; PolyPhen-2: "Benign"; Align-GVGD: "Class C55"). This variant is present in population databases (rs200190466, ExAC 0.01%) but has not been reported in the literature in individuals with a NOTCH1-related disease. This sequence change replaces serine with glycine at codon 1900 of the NOTCH1 protein (p.Ser1900Gly). The serine residue is highly conserved and there is a small physicochemical difference between serine and glycine.

NM_017617.5(NOTCH1):c.5698A>G (p.Ser1900Gly)

Gene: NOTCH1 (notch receptor 1; minus strand). Cytogenetic location: 9q34.3.
Variant type: single nucleotide variant.
Coding change: c.5698A>G on transcript NM_017617.5 (MANE Select); coding-DNA position 5698, A replaced by G.
Protein change: p.Ser1900Gly; replaces serine 1900 with glycine.
Molecular consequence: missense variant.
Genome position (GRCh38, 1-based): chr9:136,500,788, T>C on the plus strand (A>G on the coding strand, the complement: NOTCH1 is on the minus strand). VCF-style: chr9-136500788-T-C. GRCh37 (hg19) VCF-style: chr9-139395240-T-C.
Other names: c.5698A>G, p.Ser1900Gly (LRG_1122t1); short protein forms S1900G.
Identifiers: ClinVar variation 409083 (VCV000409083.9), dbSNP rs200190466, ClinGen allele CA5340147.